The following is an entry in ClinVar:

ClinVar aggregate classification (germline): Likely pathogenic (1 of 4 stars; one submission).

Conditions:
LEPR-related disorder. Also called: LEPR-related disorders; LEPR-related condition.

gnomAD v4.1: 1 of 1,555,260 alleles (0.000064%); highest among the groups gnomAD compares: Non-Finnish European, 0.000087%; no homozygotes.

Submission:

PreventionGenetics, part of Exact Sciences
Classification: Likely pathogenic for LEPR-related condition. Last evaluated: 2025-07-15. Review status: criteria provided, single submitter. Criteria: ACMG Guidelines, 2015. Collection method: clinical testing. Allele origin: germline.
Comment: The LEPR c.361C>T variant is predicted to result in premature protein termination (p.Gln121*). To our knowledge, this variant has not been reported in the literature or in a large population database (gnomAD), indicating this variant is rare. Nonsense variants in LEPR are expected to be pathogenic. This variant is interpreted as likely pathogenic.

NM_002303.6(LEPR):c.361C>T (p.Gln121Ter)

Gene: LEPR (leptin receptor; plus strand). Cytogenetic location: 1p31.3.
Variant type: single nucleotide variant.
Coding change: c.361C>T on transcript NM_002303.6 (MANE Select); coding-DNA position 361, C replaced by T.
Protein change: p.Gln121Ter; replaces glutamine 121 with a stop codon.
Molecular consequence: nonsense.
Genome position (GRCh38, 1-based): chr1:65,570,793, C>T. VCF-style: chr1-65570793-C-T. GRCh37 (hg19) VCF-style: chr1-66036476-C-T.
Other names: c.361C>T, p.Gln121Ter (NM_001003679.3, NM_001003680.3, NM_001198687.2 and 2 more transcripts); short protein forms Q121*.
Identifiers: ClinVar variation 4984311 (VCV004984311.1).
Genomic context (GRCh38, chr1:65,570,793, plus strand): 5'-TTATGTGCAGACAACATTGAAGGAAAGACATTTGTTTCAACAGTAAATTCTTTAGTTTTT[C>T]AACAAATAGGTAAGCATTAGCTATGTTTTAAATGTATTGAACAATGTTTTTTAATTCTTT-3'